The following is an entry in ClinVar:

NM_006164.5(NFE2L2):c.1081G>T (p.Val361Leu)

Gene: NFE2L2 (NFE2 like bZIP transcription factor 2; minus strand). Cytogenetic location: 2q31.2.
Variant type: single nucleotide variant.
Coding change: c.1081G>T on transcript NM_006164.5 (MANE Select); coding-DNA position 1081, G replaced by T.
Protein change: p.Val361Leu; replaces valine 361 with leucine.
Molecular consequence: missense variant.
Genome position (GRCh38, 1-based): chr2:177,231,522, C>A on the plus strand (G>T on the coding strand, the complement: NFE2L2 is on the minus strand). VCF-style: chr2-177231522-C-A. GRCh37 (hg19) VCF-style: chr2-178096250-C-A.
Other names: c.1033G>T, p.Val345Leu (NM_001145412.3, NM_001313900.1, NM_001313901.1); c.1012G>T, p.Val338Leu (NM_001145413.3); c.991G>T, p.Val331Leu (NM_001313902.2); c.862G>T, p.Val288Leu (NM_001313903.2); c.781G>T, p.Val261Leu (NM_001313904.1); short protein forms V331L, V361L, V261L, V288L, V345L, V338L.
Identifiers: ClinVar variation 3701274 (VCV003701274.2).

ClinVar aggregate classification (germline): Uncertain significance (1 of 4 stars; one submission).

Submission:

Labcorp Genetics (formerly Invitae), Labcorp
Classification: Uncertain significance. Last evaluated: 2024-06-07. Review status: criteria provided, single submitter. Criteria: Invitae Variant Classification Sherloc (09022015). Collection method: clinical testing. Allele origin: germline.
Comment: This sequence change replaces valine, which is neutral and non-polar, with leucine, which is neutral and non-polar, at codon 361 of the NFE2L2 protein (p.Val361Leu). This variant is not present in population databases (gnomAD no frequency). This variant has not been reported in the literature in individuals affected with NFE2L2-related conditions. Advanced modeling of protein sequence and biophysical properties (such as structural, functional, and spatial information, amino acid conservation, physicochemical variation, residue mobility, and thermodynamic stability) performed at Invitae indicates that this missense variant is not expected to disrupt NFE2L2 protein function with a negative predictive value of 80%. In summary, the available evidence is currently insufficient to determine the role of this variant in disease. Therefore, it has been classified as a Variant of Uncertain Significance.